The following is an entry in ClinVar:

ClinVar aggregate classification (germline): Likely pathogenic (1 of 4 stars; one submission).

Conditions:
Propionic acidemia (PROP). Also called: KETOTIC HYPERGLYCINEMIA; GLYCINEMIA, KETOTIC; HYPERGLYCINEMIA WITH KETOACIDOSIS AND LEUKOPENIA. Identifiers: Orphanet 35, MedGen C0268579, MONDO:0011628, OMIM 606054, HP:0003571.

Submission:

Labcorp Genetics (formerly Invitae), Labcorp
Classification: Likely pathogenic for Propionic acidemia. Last evaluated: 2020-06-20. Review status: criteria provided, single submitter. Criteria: Invitae Variant Classification Sherloc (09022015). Collection method: clinical testing. Allele origin: germline.
Comment: This sequence change affects an acceptor splice site in intron 3 of the PCCA gene. It is expected to disrupt RNA splicing and likely results in an absent or disrupted protein product. This variant is not present in population databases (ExAC no frequency). This variant has not been reported in the literature in individuals with PCCA-related conditions. Algorithms developed to predict the effect of sequence changes on RNA splicing suggest that this variant may disrupt the consensus splice site, but this prediction has not been confirmed by published transcriptional studies. Donor and acceptor splice site variants typically lead to a loss of protein function (PMID: 16199547), and loss-of-function variants in PCCA are known to be pathogenic (PMID: 15464417). In summary, the currently available evidence indicates that the variant is pathogenic, but additional data are needed to prove that conclusively. Therefore, this variant has been classified as Likely Pathogenic.

Literature cited by the submitters: PubMed 16199547; PubMed 15464417.

NM_000282.4(PCCA):c.232-2A>G

Gene: PCCA (propionyl-CoA carboxylase subunit alpha; plus strand). Cytogenetic location: 13q32.3.
Variant type: single nucleotide variant.
Coding change: c.232-2A>G on transcript NM_000282.4 (MANE Select); the canonical splice acceptor site of the intron before coding-DNA position 232, A replaced by G.
Molecular consequence: splice acceptor variant.
Genome position (GRCh38, 1-based): chr13:100,111,991, A>G. VCF-style: chr13-100111991-A-G. GRCh37 (hg19) VCF-style: chr13-100764245-A-G.
Other names: c.232-2A>G (NM_001178004.2, NM_001352605.2, NM_001352606.2 and 1 more transcripts); c.-635-2A>G (NM_001352610.2, NM_001352611.2, NM_001352612.2); c.154-2A>G (NM_001127692.3, NM_001352607.2, NM_001352608.2).
Identifiers: ClinVar variation 1067742 (VCV001067742.7), dbSNP rs747968405, ClinGen allele CA388693082.
Genomic context (GRCh38, chr13:100,111,991, plus strand): 5'-TATTTATTAAACCCCTTTAAGTGTGAATCACTATTAATAGACATTAATATATTTTAAAAT[A>G]GGTTATTAGAACTTGCAAGAAGATGGGCATTAAGACAGTTGCCATCCACAGTGATGTTGA-3'